The following is an entry in ClinVar:

NM_020975.6(RET):c.1108A>G (p.Met370Val)

Gene: RET (ret proto-oncogene; plus strand). Cytogenetic location: 10q11.21.
Variant type: single nucleotide variant.
Coding change: c.1108A>G on transcript NM_020975.6 (MANE Select); coding-DNA position 1108, A replaced by G.
Protein change: p.Met370Val; replaces methionine 370 with valine.
Molecular consequence: missense variant.
Genome position (GRCh38, 1-based): chr10:43,109,075, A>G. VCF-style: chr10-43109075-A-G. GRCh37 (hg19) VCF-style: chr10-43604523-A-G.
Other names: c.382A>G, p.Met128Val (NM_001406777.1, NM_001406778.1, NM_001406775.1 and 1 more transcripts); c.118A>G, p.Met40Val (NM_001406784.1); c.1108A>G, p.Met370Val (NM_020629.2, NM_020630.7, NM_000323.2 and 6 more transcripts); c.346A>G, p.Met116Val (NM_001355216.2); c.979A>G, p.Met327Val (NM_001406761.1, NM_001406762.1, NM_001406764.1 and 1 more transcripts); c.820A>G, p.Met274Val (NM_001406766.1, NM_001406767.1, NM_001406770.1); c.670A>G, p.Met224Val (NM_001406771.1, NM_001406773.1); short protein forms M370V, M116V, M327V, M224V, M40V, M128V, M274V.
Identifiers: ClinVar variation 1040589 (VCV001040589.14), dbSNP rs1280159133, ClinGen allele CA376547342.

ClinVar aggregate classification (germline): Conflicting classifications of pathogenicity. Review status: criteria provided, conflicting classifications (1 of 4 stars). 2 submissions from 2 submitters: Uncertain significance (1); Likely benign (1). Last evaluated 2026-08-07.

Conditions:
Hereditary cancer-predisposing syndrome. Also called: Tumor predisposition; Hereditary Cancer Syndrome; Hereditary neoplastic syndrome; Neoplastic Syndromes, Hereditary. Identifiers: Orphanet 140162, MedGen C0027672, MeSH D009386, MONDO:0015356.
Multiple endocrine neoplasia, type 2 (MEN2). Identifiers: Orphanet 653, MedGen C4048306, MONDO:0019003. Disease mechanism: gain of function.

Allele frequency attached by ClinVar (database versions not stated): gnomAD exomes below 0.00001.
gnomAD v4.1: 5 of 1,613,768 alleles (0.00031%); highest among the groups gnomAD compares: Non-Finnish European, 0.00042%; no homozygotes.

Submissions (2):

Ambry Genetics
Classification: Likely benign for Hereditary cancer-predisposing syndrome. Last evaluated: 2026-08-07. Review status: criteria provided, single submitter. Criteria: Ambry Variant Classification Scheme 2023. Collection method: clinical testing. Allele origin: germline.

Labcorp Genetics (formerly Invitae), Labcorp
Classification: Uncertain significance for Multiple endocrine neoplasia, type 2. Last evaluated: 2023-07-29. Review status: criteria provided, single submitter. Criteria: Invitae Variant Classification Sherloc (09022015). Collection method: clinical testing. Allele origin: germline.
Comment: This variant has not been reported in the literature in individuals affected with RET-related conditions. This variant is present in population databases (no rsID available, gnomAD 0.0009%). This sequence change replaces methionine, which is neutral and non-polar, with valine, which is neutral and non-polar, at codon 370 of the RET protein (p.Met370Val). ClinVar contains an entry for this variant (Variation ID: 1040589). In summary, the available evidence is currently insufficient to determine the role of this variant in disease. Therefore, it has been classified as a Variant of Uncertain Significance. Algorithms developed to predict the effect of missense changes on protein structure and function output the following: SIFT: "Not Available"; PolyPhen-2: "Benign"; Align-GVGD: "Not Available". The valine amino acid residue is found in multiple mammalian species, which suggests that this missense change does not adversely affect protein function.